The following is an entry in ClinVar:

ClinVar aggregate classification (germline): Uncertain significance. Review status: criteria provided, multiple submitters, no conflicts (2 of 4 stars). 2 submissions from 2 submitters: Uncertain significance (2). Last evaluated 2024-10-17.

Allele frequency attached by ClinVar (database versions not stated): TOPMed 0.00001; ExAC 0.00002.
gnomAD v4.1: 22 of 1,613,702 alleles (0.0014%); highest among the groups gnomAD compares: Middle Eastern, 0.016%; no homozygotes.

Submissions (2):

Labcorp Genetics (formerly Invitae), Labcorp
Classification: Uncertain significance. Last evaluated: 2024-10-17. Review status: criteria provided, single submitter. Criteria: Invitae Variant Classification Sherloc (09022015). Collection method: clinical testing. Allele origin: germline.
Comment: This sequence change replaces arginine, which is basic and polar, with tryptophan, which is neutral and slightly polar, at codon 40 of the CLCN2 protein (p.Arg40Trp). This variant is present in population databases (rs752317317, gnomAD 0.002%). This variant has not been reported in the literature in individuals affected with CLCN2-related conditions. Invitae Evidence Modeling of protein sequence and biophysical properties (such as structural, functional, and spatial information, amino acid conservation, physicochemical variation, residue mobility, and thermodynamic stability) indicates that this missense variant is not expected to disrupt CLCN2 protein function with a negative predictive value of 80%. In summary, the available evidence is currently insufficient to determine the role of this variant in disease. Therefore, it has been classified as a Variant of Uncertain Significance.

Blueprint Genetics
Classification: Uncertain significance. Last evaluated: 2020-02-14. Review status: criteria provided, single submitter. Criteria: ACMG Guidelines, 2015. Collection method: clinical testing. Allele origin: germline.

NM_004366.6(CLCN2):c.118C>T (p.Arg40Trp)

Gene: CLCN2 (chloride voltage-gated channel 2; minus strand). Cytogenetic location: 3q27.1.
Variant type: single nucleotide variant.
Coding change: c.118C>T on transcript NM_004366.6 (MANE Select); coding-DNA position 118, C replaced by T.
Protein change: p.Arg40Trp; replaces arginine 40 with tryptophan.
Molecular consequence: missense variant.
Genome position (GRCh38, 1-based): chr3:184,359,077, G>A on the plus strand (C>T on the coding strand, the complement: CLCN2 is on the minus strand). VCF-style: chr3-184359077-G-A. GRCh37 (hg19) VCF-style: chr3-184076865-G-A.
Other names: c.118C>T, p.Arg40Trp (NM_001171087.3, NM_001171088.3, NM_001171089.3); short protein forms R40W.
Identifiers: ClinVar variation 2781536 (VCV002781536.4), dbSNP rs752317317, ClinGen allele CA2734602.